The following is an entry in ClinVar:

ClinVar aggregate classification (germline): Uncertain significance (1 of 4 stars; one submission).

Conditions:
Cerebral cavernous malformation (CCM). Also called: Cerebral cavernous hemangioma (type); Cerebral cavernous malformations; Cavernous Hemangioma of Brain; CAVERNOUS ANGIOMA, FAMILIAL; CAVERNOUS ANGIOMATOUS MALFORMATIONS; CEREBRAL CAPILLARY MALFORMATIONS. Identifiers: Orphanet 221061, MedGen C2919945, MONDO:0000820, OMIM 116860, HP:0033522.

Allele frequency attached by ClinVar (database versions not stated): gnomAD exomes below 0.00001.
gnomAD v4.1: 1 of 1,611,218 alleles (0.000062%); highest among the groups gnomAD compares: Non-Finnish European, 0.000085%; no homozygotes.

Submission:

Labcorp Genetics (formerly Invitae), Labcorp
Classification: Uncertain significance for Cerebral cavernous malformation. Last evaluated: 2023-03-04. Review status: criteria provided, single submitter. Criteria: Invitae Variant Classification Sherloc (09022015). Collection method: clinical testing. Allele origin: germline.
Comment: This variant is not present in population databases (gnomAD no frequency). This sequence change replaces serine, which is neutral and polar, with leucine, which is neutral and non-polar, at codon 313 of the KRIT1 protein (p.Ser313Leu). This variant has not been reported in the literature in individuals affected with KRIT1-related conditions. Advanced modeling of protein sequence and biophysical properties (such as structural, functional, and spatial information, amino acid conservation, physicochemical variation, residue mobility, and thermodynamic stability) performed at Invitae indicates that this missense variant is not expected to disrupt KRIT1 protein function. Algorithms developed to predict the effect of sequence changes on RNA splicing suggest that this variant may disrupt the consensus splice site. In summary, the available evidence is currently insufficient to determine the role of this variant in disease. Therefore, it has been classified as a Variant of Uncertain Significance.

NM_194454.3(KRIT1):c.938C>T (p.Ser313Leu)

Gene: KRIT1 (KRIT1 ankyrin repeat containing; minus strand). Cytogenetic location: 7q21.2.
Variant type: single nucleotide variant.
Coding change: c.938C>T on transcript NM_194454.3 (MANE Select); coding-DNA position 938, C replaced by T.
Protein change: p.Ser313Leu; replaces serine 313 with leucine.
Molecular consequence: missense variant. On other transcripts: intron variant (3).
Genome position (GRCh38, 1-based): chr7:92,234,500, G>A on the plus strand (C>T on the coding strand, the complement: KRIT1 is on the minus strand). VCF-style: chr7-92234500-G-A. GRCh37 (hg19) VCF-style: chr7-91863814-G-A.
Other names: c.224C>T, p.Ser75Leu (NM_001350671.1); c.938C>T, p.Ser313Leu (NM_001350672.1, NM_001350673.1, NM_001350674.1 and 26 more transcripts); c.845+308C>T (NM_001350669.1, NM_001013406.2, NM_001350670.1); short protein forms S313L, S75L.
Identifiers: ClinVar variation 2842717 (VCV002842717.3), dbSNP rs2536004208, ClinGen allele CA368157819.
Genomic context (GRCh38, chr7:92,234,500, plus strand): 5'-TCCATTTACCAGCATGCATAATGAATGGGTGCCCAGTGGTCACTATCTAACTGGTTGACT[G>A]AAAATCTTTCACTGAGAAGACGGCTTAGTAATTCTGAATCTCCTTCACAGGCGCTTCGGT-3'
Protein context (NP_919436.1, residues 303-323): LLSRLLSERF[Ser313Leu]VNQLDSDHWA